The following is an entry in ClinVar:

NM_002303.6(LEPR):c.345A>G (p.Val115=)

Gene: LEPR (leptin receptor; plus strand). Cytogenetic location: 1p31.3.
Variant type: single nucleotide variant.
Coding change: c.345A>G on transcript NM_002303.6 (MANE Select); coding-DNA position 345, A replaced by G.
Protein change: p.Val115=; no amino-acid change (valine 115 retained).
Molecular consequence: synonymous variant.
Genome position (GRCh38, 1-based): chr1:65,570,777, A>G. VCF-style: chr1-65570777-A-G. GRCh37 (hg19) VCF-style: chr1-66036460-A-G.
Other names: c.345A>G, p.Val115= (NM_001003679.3, NM_001003680.3, NM_001198687.2 and 2 more transcripts).
Identifiers: ClinVar variation 875833 (VCV000875833.6), dbSNP rs773805917, ClinGen allele CA23909138.

ClinVar aggregate classification (germline): Uncertain significance. Review status: criteria provided, single submitter (1 of 4 stars). 2 submissions from 2 submitters: Uncertain significance (1). 1 of the submissions does not count toward it. Last evaluated 2018-01-13.

Conditions:
Obesity due to leptin receptor gene deficiency. Identifiers: Orphanet 179494, MedGen C3554225, MONDO:0013992, OMIM 614963.
LEPR-related disorder. Also called: LEPR-related disorders; LEPR-related condition.

Allele frequency attached by ClinVar (database versions not stated): gnomAD 0.00003 and 0.00004; gnomAD exomes 0.00001 and 0.00007; TOPMed 0.00003.
gnomAD v4.1: 99 of 1,564,802 alleles (0.0063%); highest among the groups gnomAD compares: Non-Finnish European, 0.0084%; no homozygotes.

Submissions (2):

Illumina Laboratory Services, Illumina
Classification: Uncertain significance for Obesity due to leptin receptor gene deficiency. Last evaluated: 2018-01-13. Review status: criteria provided, single submitter. Criteria: ICSL Variant Classification Criteria 13 December 2019. Collection method: clinical testing. Allele origin: germline.

PreventionGenetics, part of Exact Sciences
Classification: Likely benign for LEPR-related condition. Last evaluated: 2019-05-02. Review status: no assertion criteria provided. Collection method: clinical testing. Allele origin: germline. Not counted in ClinVar's aggregate classification.
Comment: This variant is classified as likely benign based on ACMG/AMP sequence variant interpretation guidelines (Richards et al. 2015 PMID: 25741868, with internal and published modifications).